The following is an entry in ClinVar:

NM_017755.6(NSUN2):c.1071G>A (p.Trp357Ter)

Gene: NSUN2 (NOP2/Sun RNA methyltransferase 2; minus strand). Cytogenetic location: 5p15.31.
Variant type: single nucleotide variant.
Coding change: c.1071G>A on transcript NM_017755.6 (MANE Select); coding-DNA position 1071, G replaced by A.
Protein change: p.Trp357Ter; replaces tryptophan 357 with a stop codon.
Molecular consequence: nonsense. On other transcripts: non-coding transcript variant (1).
Genome position (GRCh38, 1-based): chr5:6,611,749, C>T on the plus strand (G>A on the coding strand, the complement: NSUN2 is on the minus strand). VCF-style: chr5-6611749-C-T. GRCh37 (hg19) VCF-style: chr5-6611862-C-T.
Other names: c.966G>A, p.Trp322Ter (NM_001193455.2); short protein forms W322*, W357*.
Identifiers: ClinVar variation 1783646 (VCV001783646.2), dbSNP rs767983383, ClinGen allele CA3192571.
Genomic context (GRCh38, chr5:6,611,749, plus strand): 5'-TACTCTTTAGAATGAAAGTTCTCGAGGAAAGGTTACCTTCCACTGTGTGATTCCAGGCAT[C>T]CACTTCAGCCCTGGCAGTTCATTAGACACATCAGCAAGCTCCAAAGCACCTGTGCAGCAA-3'

ClinVar aggregate classification (germline): Pathogenic (1 of 4 stars; one submission).

Conditions:
Inborn genetic diseases. Identifiers: MedGen C0950123, MeSH D030342.

Allele frequency attached by ClinVar (database versions not stated): ExAC 0.00001; gnomAD 0.00001; TOPMed 0.00001.
gnomAD v4.1: 2 of 1,614,038 alleles (0.00012%); highest among the groups gnomAD compares: African/African-American, 0.0027%; no homozygotes.

Submission:

Ambry Genetics
Classification: Pathogenic for Inborn genetic diseases. Last evaluated: 2020-10-30. Review status: criteria provided, single submitter. Criteria: Ambry Variant Classification Scheme 2023. Collection method: clinical testing. Allele origin: germline.
Comment: The p.W357* pathogenic mutation (also known as c.1071G>A), located in coding exon 10 of the NSUN2 gene, results from a G to A substitution at nucleotide position 1071. This changes the amino acid from a tryptophan to a stop codon within coding exon 10. This alteration is expected to result in loss of function by premature protein truncation or nonsense-mediated mRNA decay. As such, this alteration is interpreted as a disease-causing mutation.